The following is an entry in ClinVar:

ClinVar aggregate classification (germline): Uncertain significance (1 of 4 stars; one submission).

Submission:

GeneDx
Classification: Uncertain significance. Last evaluated: 2025-02-13. Review status: criteria provided, single submitter. Criteria: GeneDx Variant Classification Process June 2021. Collection method: clinical testing. Allele origin: germline. Affected: yes.
Comment: Not observed at significant frequency in large population cohorts (gnomAD); In silico analysis supports that this missense variant has a deleterious effect on protein structure/function; Has not been previously published as pathogenic or benign to our knowledge

NM_015267.4(CUX2):c.2716A>G (p.Lys906Glu)

Gene: CUX2 (cut like homeobox 2; plus strand). Cytogenetic location: 12q24.12.
Variant type: single nucleotide variant.
Coding change: c.2716A>G on transcript NM_015267.4 (MANE Select); coding-DNA position 2716, A replaced by G.
Protein change: p.Lys906Glu; replaces lysine 906 with glutamic acid.
Molecular consequence: missense variant.
Genome position (GRCh38, 1-based): chr12:111,320,725, A>G. VCF-style: chr12-111320725-A-G. GRCh37 (hg19) VCF-style: chr12-111758529-A-G.
Other names: c.2530A>G, p.Lys844Glu (NM_001370598.1); short protein forms K844E, K906E.
Identifiers: ClinVar variation 4075689 (VCV004075689.1).